The following is an entry in ClinVar:

ClinVar aggregate classification (germline): Uncertain significance (1 of 4 stars; one submission).

Conditions:
MHC class II deficiency. Also called: Bare lymphocyte syndrome 2; BLS, TYPE II. Identifiers: Orphanet 572, MedGen C5447452, MONDO:0008855.

Allele frequency attached by ClinVar (database versions not stated): gnomAD 0.00003; gnomAD exomes 0.00004; TOPMed 0.00004; ESP Exome Variant Server 0.00008.
gnomAD v4.1: 61 of 1,611,680 alleles (0.0038%); highest among the groups gnomAD compares: Non-Finnish European, 0.0045%; no homozygotes.

Submission:

Labcorp Genetics (formerly Invitae), Labcorp
Classification: Uncertain significance for MHC class II deficiency. Last evaluated: 2022-05-20. Review status: criteria provided, single submitter. Criteria: Invitae Variant Classification Sherloc (09022015). Collection method: clinical testing. Allele origin: germline.
Comment: This sequence change replaces valine, which is neutral and non-polar, with methionine, which is neutral and non-polar, at codon 338 of the CIITA protein (p.Val338Met). The frequency data for this variant in the population databases is considered unreliable, as metrics indicate poor data quality at this position in the gnomAD database. This variant has not been reported in the literature in individuals affected with CIITA-related conditions. Algorithms developed to predict the effect of missense changes on protein structure and function are either unavailable or do not agree on the potential impact of this missense change (SIFT: "Deleterious"; PolyPhen-2: "Probably Damaging"; Align-GVGD: "Class C0"). In summary, the available evidence is currently insufficient to determine the role of this variant in disease. Therefore, it has been classified as a Variant of Uncertain Significance.

NM_000246.4(CIITA):c.1012G>A (p.Val338Met)

Gene: CIITA (class II major histocompatibility complex transactivator; plus strand). Cytogenetic location: 16p13.13.
Variant type: single nucleotide variant.
Coding change: c.1012G>A on transcript NM_000246.4 (MANE Select); coding-DNA position 1012, G replaced by A.
Protein change: p.Val338Met; replaces valine 338 with methionine.
Molecular consequence: missense variant. On other transcripts: intron variant (1).
Genome position (GRCh38, 1-based): chr16:10,906,504, G>A. VCF-style: chr16-10906504-G-A. GRCh37 (hg19) VCF-style: chr16-11000361-G-A.
Other names: c.1015G>A, p.Val339Met (NM_001286402.1, NM_001379332.1); c.868G>A, p.Val290Met (NM_001379330.1); c.865G>A, p.Val289Met (NM_001379331.1); c.1012G>A, p.Val338Met (NM_001379333.1); c.943G>A, p.Val315Met (NM_001379334.1); c.859+1692G>A (NM_001286403.2); short protein forms V289M, V338M, V339M, V290M, V315M.
Identifiers: ClinVar variation 2052580 (VCV002052580.1), dbSNP rs377634337, ClinGen allele CA277744650.
Genomic context (GRCh38, chr16:10,906,504, plus strand): 5'-GCCCTGGCCCTGCCTCTCACATACCCCCACCCTGACACGCCCCTGGCCTTTGCAGAGCCG[G>A]TGGAGCAGTTCTACCGCTCACTGCAGGACACGTATGGTGCCGAGCCCGCAGGCCCGGATG-3'
Protein context (NP_000237.2, residues 328-348): SNKLPKWPEP[Val338Met]EQFYRSLQDT